The following is an entry in ClinVar:

ClinVar aggregate classification (germline): Uncertain significance (1 of 4 stars; one submission).

Submission:

Labcorp Genetics (formerly Invitae), Labcorp
Classification: Uncertain significance. Last evaluated: 2023-08-29. Review status: criteria provided, single submitter. Criteria: Invitae Variant Classification Sherloc (09022015). Collection method: clinical testing. Allele origin: germline.
Comment: In summary, the available evidence is currently insufficient to determine the role of this variant in disease. Therefore, it has been classified as a Variant of Uncertain Significance. This sequence change replaces aspartic acid, which is acidic and polar, with glycine, which is neutral and non-polar, at codon 82 of the GINS1 protein (p.Asp82Gly). This variant is not present in population databases (gnomAD no frequency). This variant has not been reported in the literature in individuals affected with GINS1-related conditions. An algorithm developed to predict the effect of missense changes on protein structure and function (PolyPhen-2) suggests that this variant is likely to be disruptive.

NM_021067.5(GINS1):c.245A>G (p.Asp82Gly)

Gene: GINS1 (GINS complex subunit 1; plus strand). Cytogenetic location: 20p11.21.
Variant type: single nucleotide variant.
Coding change: c.245A>G on transcript NM_021067.5 (MANE Select); coding-DNA position 245, A replaced by G.
Protein change: p.Asp82Gly; replaces aspartic acid 82 with glycine.
Molecular consequence: missense variant. On other transcripts: non-coding transcript variant (1), intron variant (1).
Genome position (GRCh38, 1-based): chr20:25,418,110, A>G. VCF-style: chr20-25418110-A-G. GRCh37 (hg19) VCF-style: chr20-25398746-A-G.
Other names: c.245A>G, p.Asp82Gly (NM_001410830.1); c.76-7101A>G (NM_001410831.1); short protein forms D82G.
Identifiers: ClinVar variation 2745853 (VCV002745853.3), dbSNP rs2516026813, ClinGen allele CA408447956.